The following is an entry in ClinVar:

ClinVar aggregate classification (germline): Likely benign (0 of 4 stars; one submission).

Conditions:
NRG1-related disorder. Also called: NRG1-related condition.

Allele frequency attached by ClinVar (database versions not stated): TOPMed 0.00005; gnomAD exomes 0.00006; ESP Exome Variant Server 0.00008; gnomAD 0.00010.
gnomAD v4.1: 106 of 1,606,950 alleles (0.0066%); highest among the groups gnomAD compares: Non-Finnish European, 0.0086%; no homozygotes.

Submission:

PreventionGenetics, part of Exact Sciences
Classification: Likely benign for NRG1-related condition. Last evaluated: 2019-09-17. Review status: no assertion criteria provided. Collection method: clinical testing. Allele origin: germline.
Comment: This variant is classified as likely benign based on ACMG/AMP sequence variant interpretation guidelines (Richards et al. 2015 PMID: 25741868, with internal and published modifications).

NM_013964.5(NRG1):c.111C>G (p.Pro37=)

Gene: NRG1 (neuregulin 1; plus strand). Cytogenetic location: 8p12.
Variant type: single nucleotide variant.
Coding change: c.111C>G on transcript NM_013964.5 (MANE Select); coding-DNA position 111, C replaced by G.
Protein change: p.Pro37=; no amino-acid change (proline 37 retained).
Molecular consequence: synonymous variant. On other transcripts: 5 prime UTR variant (2).
Genome position (GRCh38, 1-based): chr8:32,595,838, C>G. VCF-style: chr8-32595838-C-G. GRCh37 (hg19) VCF-style: chr8-32453356-C-G.
Other names: c.48C>G, p.Pro16= (NM_001159995.3, NM_001159999.3, NM_001160001.3 and 1 more transcripts); c.111C>G, p.Pro37= (NM_001160002.2, NM_001160004.3, NM_001160005.2 and 8 more transcripts); c.-545C>G (NM_001322201.2); c.-494C>G (NM_001322202.2); c.756C>G, p.Pro252= (NM_013962.3).
Identifiers: ClinVar variation 3040281 (VCV003040281.2), dbSNP rs201046028, ClinGen allele CA4705474.